The following is an entry in ClinVar:

NM_001875.5(CPS1):c.4109T>C (p.Phe1370Ser)

Gene: CPS1 (carbamoyl-phosphate synthase 1; plus strand). Cytogenetic location: 2q34.
Variant type: single nucleotide variant.
Coding change: c.4109T>C on transcript NM_001875.5 (MANE Select); coding-DNA position 4109, T replaced by C.
Protein change: p.Phe1370Ser; replaces phenylalanine 1370 with serine.
Molecular consequence: missense variant. On other transcripts: non-coding transcript variant (2).
Genome position (GRCh38, 1-based): chr2:210,674,909, T>C. VCF-style: chr2-210674909-T-C. GRCh37 (hg19) VCF-style: chr2-211539633-T-C.
Other names: c.4109T>C, p.Phe1370Ser (NM_001122633.3, NM_001369257.1); c.4142T>C, p.Phe1381Ser (NM_001369256.1); short protein forms F1370S, F1381S.
Identifiers: ClinVar variation 2011612 (VCV002011612.4), dbSNP rs2469378524, ClinGen allele CA350440123.

ClinVar aggregate classification (germline): Uncertain significance (1 of 4 stars; one submission).

Conditions:
Congenital hyperammonemia, type I. Also called: Carbamoyl-phosphate synthase I deficiency; Carbamoyl phosphate synthetase 1 deficiency; Hyperammonemia due to carbamoyl phosphate synthetase 1 deficiency; CPS 1 deficiency; Carbamyl phosphate synthetase (CPS) deficiency; Carbamoyl phosphate synthetase I deficiency disease. Identifiers: Orphanet 147, MedGen C4082171, MONDO:0009376, OMIM 237300.

Submission:

Labcorp Genetics (formerly Invitae), Labcorp
Classification: Uncertain significance for Congenital hyperammonemia, type I. Last evaluated: 2022-06-27. Review status: criteria provided, single submitter. Criteria: Invitae Variant Classification Sherloc (09022015). Collection method: clinical testing. Allele origin: germline.
Comment: This variant is not present in population databases (gnomAD no frequency). This sequence change replaces phenylalanine, which is neutral and non-polar, with serine, which is neutral and polar, at codon 1370 of the CPS1 protein (p.Phe1370Ser). Algorithms developed to predict the effect of missense changes on protein structure and function are either unavailable or do not agree on the potential impact of this missense change (SIFT: "Tolerated"; PolyPhen-2: "Probably Damaging"; Align-GVGD: "Class C0"). In summary, the available evidence is currently insufficient to determine the role of this variant in disease. Therefore, it has been classified as a Variant of Uncertain Significance. This variant has not been reported in the literature in individuals affected with CPS1-related conditions.